The following is an entry in ClinVar:

ClinVar aggregate classification (germline): Likely benign. Review status: criteria provided, single submitter (1 of 4 stars). 2 submissions from 2 submitters: Likely benign (1). 1 of the submissions does not count toward it. Last evaluated 2024-08-06.

Conditions:
RAP1A-related disorder. Also called: RAP1A-related condition.

Submissions (2):

Blueprint Genetics
Classification: Likely benign. Last evaluated: 2024-08-06. Review status: criteria provided, single submitter. Criteria: ACMG Guidelines, 2015. Collection method: clinical testing. Allele origin: germline.

PreventionGenetics, part of Exact Sciences
Classification: Likely benign for RAP1A-related condition. Last evaluated: 2020-02-17. Review status: no assertion criteria provided. Collection method: clinical testing. Allele origin: germline. Not counted in ClinVar's aggregate classification.
Comment: This variant is classified as likely benign based on ACMG/AMP sequence variant interpretation guidelines (Richards et al. 2015 PMID: 25741868, with internal and published modifications).

NM_002884.4(RAP1A):c.58-8del

Gene: RAP1A (RAP1A, member of RAS oncogene family; plus strand). Cytogenetic location: 1p13.2.
Variant type: Deletion.
Coding change: c.58-8del on transcript NM_002884.4 (MANE Select); 8 bases into the intron before coding-DNA position 58, one base deleted (T; older notation c.58-8delT).
Molecular consequence: intron variant.
Genome position (GRCh38, 1-based): chr1:111,695,333, T deleted; the last of 9 consecutive T bases (chr1:111,695,325-111,695,333); deleting any one gives the same sequence. VCF-style (leftmost placement, unchanged base first): chr1-111695324-CT-C. GRCh37 (hg19) VCF-style: chr1-112237946-CT-C.
Other names: c.58-8del (NM_001370216.2, NM_001291896.3, NM_001394066.1 and 2 more transcripts).
Identifiers: ClinVar variation 3052287 (VCV003052287.3), dbSNP rs552633846, ClinGen allele CA1006264.
Genomic context (GRCh38, chr1:111,695,324, plus strand): 5'-TTATAATTTGTAGGTTAAGTAACATTCAAAGGAGTTTTCCTTTAATTTTTTAATATTTCT[CT>C]TTTTTTTTCCCCCAGACAGTTCAGTTTGTTCAGGGAATTTTTGTTGAAAAATATGACCCA-3'